The following is an entry in ClinVar:

ClinVar aggregate classification (germline): Uncertain significance (1 of 4 stars; one submission).

Conditions:
Congenital myasthenic syndrome 15. Also called: Myasthenic syndrome, congenital, 15, without tubular aggregates. Identifiers: Orphanet 353327, Orphanet 590, MedGen C4015596, MONDO:0014542, OMIM 616227.

gnomAD v4.1: 1 of 1,614,016 alleles (0.000062%); highest among the groups gnomAD compares: Non-Finnish European, 0.000085%; no homozygotes.

Submission:

Labcorp Genetics (formerly Invitae), Labcorp
Classification: Uncertain significance for Congenital myasthenic syndrome 15. Last evaluated: 2022-04-30. Review status: criteria provided, single submitter. Criteria: Invitae Variant Classification Sherloc (09022015). Collection method: clinical testing. Allele origin: germline.
Comment: Algorithms developed to predict the effect of missense changes on protein structure and function (SIFT, PolyPhen-2, Align-GVGD) all suggest that this variant is likely to be tolerated. In summary, the available evidence is currently insufficient to determine the role of this variant in disease. Therefore, it has been classified as a Variant of Uncertain Significance. This variant has not been reported in the literature in individuals affected with ALG14-related conditions. This variant is not present in population databases (gnomAD no frequency). This sequence change replaces histidine, which is basic and polar, with proline, which is neutral and non-polar, at codon 134 of the ALG14 protein (p.His134Pro).

NM_144988.4(ALG14):c.401A>C (p.His134Pro)

Gene: ALG14 (ALG14 UDP-N-acetylglucosaminyltransferase subunit; minus strand). Cytogenetic location: 1p21.3.
Variant type: single nucleotide variant.
Coding change: c.401A>C on transcript NM_144988.4 (MANE Select); coding-DNA position 401, A replaced by C.
Protein change: p.His134Pro; replaces histidine 134 with proline.
Molecular consequence: missense variant. On other transcripts: synonymous variant (1), non-coding transcript variant (1).
Genome position (GRCh38, 1-based): chr1:95,027,148, T>G on the plus strand (A>C on the coding strand, the complement: ALG14 is on the minus strand). VCF-style: chr1-95027148-T-G. GRCh37 (hg19) VCF-style: chr1-95492704-T-G.
Other names: c.438A>C, p.Ser146= (NM_001305242.2); short protein forms H134P.
Identifiers: ClinVar variation 2114811 (VCV002114811.4), dbSNP rs2100771746, ClinGen allele CA341365534.